The following is an entry in ClinVar:

NM_002878.4(RAD51D):c.295A>C (p.Thr99Pro)

Genes: RAD51D (RAD51 paralog D; minus strand), RAD51L3-RFFL (RAD51L3-RFFL readthrough; minus strand). Cytogenetic location: 17q12.
Variant type: single nucleotide variant.
Coding change: c.295A>C on transcript NM_002878.4 (MANE Select); coding-DNA position 295, A replaced by C.
Protein change: p.Thr99Pro; replaces threonine 99 with proline.
Molecular consequence: missense variant. On other transcripts: non-coding transcript variant (2), intron variant (1).
Genome position (GRCh38, 1-based): chr17:35,107,416, T>G on the plus strand (A>C on the coding strand, the complement: RAD51D is on the minus strand). VCF-style: chr17-35107416-T-G. GRCh37 (hg19) VCF-style: chr17-33434435-T-G.
Other names: c.355A>C, p.Thr119Pro (NM_001142571.2); c.145-935A>C (NM_133629.3); short protein forms T119P, T99P.
Identifiers: ClinVar variation 801277 (VCV000801277.19), dbSNP rs746416079, ClinGen allele CA8499520.
Genomic context (GRCh38, chr17:35,107,416, plus strand): 5'-TCACATGTACCTGAGTTTTGCCGCTACCTGGGCCTCCTACAATTTCAGTCACTTCTCCAG[T>G]ATAGAGACCAGCATCAAGCAGTTTATCAAGACTGATGGCAGAAGAGAAGAAAATCAACAC-3'
Protein context (NP_002869.3, residues 89-109): LDKLLDAGLY[Thr99Pro]GEVTEIVGGP

ClinVar aggregate classification (germline): Uncertain significance. Review status: criteria provided, multiple submitters, no conflicts (2 of 4 stars). 4 submissions from 4 submitters: Uncertain significance (4). Last evaluated 2026-01-26.

Conditions:
Hereditary cancer-predisposing syndrome. Also called: Tumor predisposition; Neoplastic Syndromes, Hereditary; Hereditary Cancer Syndrome; Hereditary neoplastic syndrome. Identifiers: Orphanet 140162, MedGen C0027672, MeSH D009386, MONDO:0015356.
Breast-ovarian cancer, familial, susceptibility to, 4. Identifiers: Orphanet 145, MedGen C3280345, MONDO:0013669, OMIM 614291.

Allele frequency attached by ClinVar (database versions not stated): gnomAD exomes below 0.00001; ExAC 0.00001.
gnomAD v4.1: 1 of 1,563,352 alleles (0.000064%); highest among the groups gnomAD compares: Admixed American, 0.0017%; no homozygotes.

Submissions (4):

Labcorp Genetics (formerly Invitae), Labcorp
Classification: Uncertain significance for Breast-ovarian cancer, familial, susceptibility to, 4. Last evaluated: 2026-01-26. Review status: criteria provided, single submitter. Criteria: Invitae Variant Classification Sherloc (09022015). Collection method: clinical testing. Allele origin: germline.
Comment: This sequence change replaces threonine, which is neutral and polar, with proline, which is neutral and non-polar, at codon 99 of the RAD51D protein (p.Thr99Pro). This variant is present in population databases (rs746416079, gnomAD 0.003%). This variant has not been reported in the literature in individuals affected with RAD51D-related conditions. ClinVar contains an entry for this variant (Variation ID: 801277). Invitae Evidence Modeling of protein sequence and biophysical properties (such as structural, functional, and spatial information, amino acid conservation, physicochemical variation, residue mobility, and thermodynamic stability) indicates that this missense variant is not expected to disrupt RAD51D protein function with a negative predictive value of 80%. In summary, the available evidence is currently insufficient to determine the role of this variant in disease. Therefore, it has been classified as a Variant of Uncertain Significance.

Quest Diagnostics Nichols Institute San Juan Capistrano
Classification: Uncertain significance. Last evaluated: 2025-02-11. Review status: criteria provided, single submitter. Criteria: Quest Diagnostics criteria. Collection method: clinical testing. Allele origin: unknown.
Comment: The RAD51D c.295A>C (p.Thr99Pro) variant has not been reported in individuals with RAD51D-related conditions in the published literature. The frequency of this variant in the general population (Genome Aggregation Database) is uninformative in the assessment of its pathogenicity. Analysis of this variant using bioinformatics tools for the prediction of the effect of amino acid changes on protein structure and function yielded predictions that this variant is benign or damaging. Based on the available information, we are unable to determine the clinical significance of this variant.

Ambry Genetics
Classification: Uncertain significance for Hereditary cancer-predisposing syndrome. Last evaluated: 2024-09-16. Review status: criteria provided, single submitter. Criteria: Ambry Variant Classification Scheme 2023. Collection method: clinical testing. Allele origin: germline.
Comment: The p.T99P variant (also known as c.295A>C), located in coding exon 4 of the RAD51D gene, results from an A to C substitution at nucleotide position 295. The threonine at codon 99 is replaced by proline, an amino acid with highly similar properties. This amino acid position is highly conserved in available vertebrate species. In addition, this alteration is predicted to be deleterious by in silico analysis. Since supporting evidence is limited at this time, the clinical significance of this alteration remains unclear.

Color Diagnostics, LLC DBA Color Health
Classification: Uncertain significance for Hereditary cancer-predisposing syndrome. Last evaluated: 2023-12-04. Review status: criteria provided, single submitter. Criteria: ACMG Guidelines, 2015. Collection method: clinical testing. Allele origin: germline.
Comment: This missense variant replaces threonine with proline at codon 99 of the RAD51D protein. Computational prediction suggests that this variant may not impact protein structure and function (internally defined REVEL score threshold <= 0.5, PMID: 27666373). To our knowledge, functional studies have not been reported for this variant. This variant has not been reported in individuals affected with RAD51D-related disorders in the literature. This variant has been identified in 1/251378 chromosomes in the general population by the Genome Aggregation Database (gnomAD). The available evidence is insufficient to determine the role of this variant in disease conclusively. Therefore, this variant is classified as a Variant of Uncertain Significance.